The following is an entry in ClinVar:

ClinVar aggregate classification (germline): Uncertain significance (1 of 4 stars; one submission).

Conditions:
POLD1-related polyposis and colorectal cancer syndrome (CRCS10). Also called: Colorectal cancer 10; COLORECTAL CANCER, SUSCEPTIBILITY TO, ON CHROMOSOME 19q; Colorectal cancer, susceptibility to, 10. Identifiers: Orphanet 220460, MedGen C2675481, MONDO:0012953, OMIM 612591.

Submission:

Labcorp Genetics (formerly Invitae), Labcorp
Classification: Uncertain significance for POLD1-related polyposis and colorectal cancer syndrome. Last evaluated: 2017-08-30. Review status: criteria provided, single submitter. Criteria: Invitae Variant Classification Sherloc (09022015). Collection method: clinical testing. Allele origin: germline.
Comment: In summary, the available evidence is currently insufficient to determine the role of this variant in disease. Therefore, it has been classified as a Variant of Uncertain Significance. This sequence change replaces glycine with alanine at codon 365 of the POLD1 protein (p.Gly365Ala). The glycine residue is highly conserved and there is a small physicochemical difference between glycine and alanine. Algorithms developed to predict the effect of missense changes on protein structure and function do not agree on the potential impact of this missense change (SIFT: "Deleterious"; PolyPhen-2: "Probably Damaging"; Align-GVGD: "Class C0"). This variant has not been reported in the literature in individuals with POLD1-related disease. This variant is not present in population databases (ExAC no frequency).

NM_002691.4(POLD1):c.1094G>C (p.Gly365Ala)

Gene: POLD1 (DNA polymerase delta 1, catalytic subunit; plus strand). Cytogenetic location: 19q13.33.
Variant type: single nucleotide variant.
Coding change: c.1094G>C on transcript NM_002691.4 (MANE Select); coding-DNA position 1094, G replaced by C.
Protein change: p.Gly365Ala; replaces glycine 365 with alanine.
Molecular consequence: missense variant. On other transcripts: non-coding transcript variant (1).
Genome position (GRCh38, 1-based): chr19:50,403,176, G>C. VCF-style: chr19-50403176-G-C. GRCh37 (hg19) VCF-style: chr19-50906433-G-C.
Other names: c.1094G>C, p.Gly365Ala (NM_001256849.1, NM_001308632.1); short protein forms G365A.
Identifiers: ClinVar variation 537045 (VCV000537045.8), dbSNP rs1555790445, ClinGen allele CA406978312.